The following is an entry in ClinVar:

ClinVar aggregate classification (germline): Uncertain significance (0 of 4 stars; one submission).

Conditions:
KIDINS220-related disorder. Also called: KIDINS220-related condition.

gnomAD v4.1: 3 of 1,614,062 alleles (0.00019%); highest among the groups gnomAD compares: Non-Finnish European, 0.00025%; no homozygotes.

Submission:

PreventionGenetics, part of Exact Sciences
Classification: Uncertain significance for KIDINS220-related condition. Last evaluated: 2024-06-19. Review status: no assertion criteria provided. Collection method: clinical testing. Allele origin: germline.
Comment: The KIDINS220 c.4937G>T variant is predicted to result in the amino acid substitution p.Cys1646Phe. To our knowledge, this variant has not been reported in the literature or in a large population database, indicating this variant is rare. At this time, the clinical significance of this variant is uncertain due to the absence of conclusive functional and genetic evidence.

NM_020738.4(KIDINS220):c.4937G>T (p.Cys1646Phe)

Gene: KIDINS220 (kinase D interacting substrate 220; minus strand). Cytogenetic location: 2p25.1.
Variant type: single nucleotide variant.
Coding change: c.4937G>T on transcript NM_020738.4 (MANE Select); coding-DNA position 4937, G replaced by T.
Protein change: p.Cys1646Phe; replaces cysteine 1646 with phenylalanine.
Molecular consequence: missense variant. On other transcripts: intron variant (6).
Genome position (GRCh38, 1-based): chr2:8,731,099, C>A on the plus strand (G>T on the coding strand, the complement: KIDINS220 is on the minus strand). VCF-style: chr2-8731099-C-A. GRCh37 (hg19) VCF-style: chr2-8871229-C-A.
Other names: c.4940G>T, p.Cys1647Phe (NM_001348729.2); c.4883G>T, p.Cys1628Phe (NM_001348731.2); c.4880G>T, p.Cys1627Phe (NM_001348732.2); c.4769G>T, p.Cys1590Phe (NM_001348734.2); c.4766G>T, p.Cys1589Phe (NM_001348735.2); c.4640G>T, p.Cys1547Phe (NM_001348736.2); c.3882+2345G>T (NM_001348741.2, NM_001348742.2, NM_001348743.2); c.3996+2345G>T (NM_001348738.2); and 1 more; short protein forms C1547F, C1589F, C1590F, C1627F, C1628F, C1646F, C1647F.
Identifiers: ClinVar variation 3347106 (VCV003347106.1).
Genomic context (GRCh38, chr2:8,731,099, plus strand): 5'-TTTTCTTCAGGGCTGCTGGCTATCAAGCTGCATTCGGAAGGGCTTTTCTTGTCTTCTGAA[C>A]AAATGGACATCCGAGCTATAATTGGATCTTGCAGGCCACTCAGGCTATGTGGGATTCCCC-3'
Protein context (NP_065789.1, residues 1636-1656): QDPIIARMSI[Cys1646Phe]SEDKKSPSEC